The following is an entry in ClinVar:

ClinVar aggregate classification (germline): Uncertain significance (1 of 4 stars; one submission).

Conditions:
THRB-related disorder. Also called: THRB-related condition.

gnomAD v4.1: 16 of 1,613,908 alleles (0.00099%); highest among the groups gnomAD compares: East Asian, 0.0045%; no homozygotes.

Submission:

PreventionGenetics, part of Exact Sciences
Classification: Uncertain significance for THRB-related condition. Last evaluated: 2025-05-28. Review status: criteria provided, single submitter. Criteria: ACMG Guidelines, 2015. Collection method: clinical testing. Allele origin: germline.
Comment: The THRB c.76G>A variant is predicted to result in the amino acid substitution p.Asp26Asn. This variant has been reported in at least two individuals with congenital hypothyroidism (Zhou et al. 2018. PubMed ID: 30074255; Supplementary Table 1, Wang et al. 2020. PubMed ID: 32425884). This variant is reported in 0.011% of alleles in individuals of East Asian descent in gnomAD. At this time, the clinical significance of this variant is uncertain due to the absence of conclusive functional and genetic evidence.

NM_001354712.2(THRB):c.76G>A (p.Asp26Asn)

Gene: THRB (thyroid hormone receptor beta; minus strand). Cytogenetic location: 3p24.2.
Variant type: single nucleotide variant.
Coding change: c.76G>A on transcript NM_001354712.2 (MANE Select); coding-DNA position 76, G replaced by A.
Protein change: p.Asp26Asn; replaces aspartic acid 26 with asparagine.
Molecular consequence: missense variant. On other transcripts: 5 prime UTR variant (2).
Genome position (GRCh38, 1-based): chr3:24,190,281, C>T on the plus strand (G>A on the coding strand, the complement: THRB is on the minus strand). VCF-style: chr3-24190281-C-T. GRCh37 (hg19) VCF-style: chr3-24231772-C-T.
Other names: c.76G>A, p.Asp26Asn (NM_000461.5, NM_001128176.3, NM_001128177.2 and 12 more transcripts); c.-18G>A (NM_001354714.2, NM_001354715.2); short protein forms D26N.
Identifiers: ClinVar variation 4986308 (VCV004986308.1).
Genomic context (GRCh38, chr3:24,190,281, plus strand): 5'-GCCTCTCTGAATGGCTCTTCCTATGTAGGCAGGCTTCAGACATTCCTACTAGCTTCCAGT[C>T]GTGTTCTCGGTCTGGACAGTGCTTCGGTTTGTCCCAGGCTGTAAGGCCATTTTCTAAAGG-3'
Protein context (NP_001341641.1, residues 16-36): KPKHCPDREH[Asp26Asn]WKLVGMSEAC